The following is an entry in ClinVar:

NM_007194.4(CHEK2):c.409C>T (p.Arg137Ter)

Gene: CHEK2 (checkpoint kinase 2; minus strand). Cytogenetic location: 22q12.1.
Variant type: single nucleotide variant.
Coding change: c.409C>T on transcript NM_007194.4 (MANE Select); coding-DNA position 409, C replaced by T.
Protein change: p.Arg137Ter; replaces arginine 137 with a stop codon.
Molecular consequence: nonsense.
Genome position (GRCh38, 1-based): chr22:28,725,278, G>A on the plus strand (C>T on the coding strand, the complement: CHEK2 is on the minus strand). VCF-style: chr22-28725278-G-A. GRCh37 (hg19) VCF-style: chr22-29121266-G-A.
Other names: p.R137*:CGA>TGA; c.538C>T, p.Arg180Ter (NM_001005735.3); c.-369C>T (NM_001257387.3); c.409C>T, p.Arg137Ter (NM_001349956.3, NM_145862.3); short protein forms R137*, R180*.
Identifiers: ClinVar variation 182452 (VCV000182452.70), dbSNP rs730881701, ClinGen allele CA299110.

ClinVar aggregate classification (germline): Pathogenic/Likely pathogenic. Review status: criteria provided, multiple submitters, no conflicts (2 of 4 stars). 23 submissions from 23 submitters: Pathogenic (18); Likely pathogenic (1). 4 of the submissions do not count toward it. Last evaluated 2026-09-01.

Conditions:
Congenital heart defects, multiple types, 3. Also called: CHTD3; CONGENITAL HEART DEFECTS, MULTIPLE TYPES, WITH CARDIAC RHYTHM AND CONDUCTION DISTURBANCES. Identifiers: MedGen C3554194, MONDO:0013988, OMIM 614954.
CHEK2-related disorder.
CHEK2-related cancer predisposition (TPDS4). Also called: CHEK2-related cancer susceptibility; TUMOR PREDISPOSITION SYNDROME 4; CANCER PREDISPOSITION SYNDROME, CHEK2-RELATED. Identifiers: Orphanet 524, MedGen C5882668, MONDO:0700271, OMIM 609265.
Familial prostate cancer. Also called: Hereditary Prostate Cancer. Identifiers: MedGen C2931456, MONDO:0700275, OMIM 176807.
Bone osteosarcoma. Also called: Osteosarcoma, somatic. Identifiers: Orphanet 668, MedGen C0585442, MONDO:0002629, OMIM 259500.
Familial cancer of breast. Also called: Hereditary breast cancer; hereditary breast carcinoma; BREAST CANCER, FAMILIAL. Identifiers: Orphanet 227535, MedGen C0346153, MONDO:0016419, OMIM 114480. Disease mechanism: loss of function.
Prostate cancer. Also called: Malignant tumor of prostate. Identifiers: Orphanet 1331, MedGen C0376358, MONDO:0008315, HP:0012125.
Gastric cancer. Also called: Malignant tumor of stomach; Stomach cancer. Identifiers: MedGen C0024623, MeSH D013274, MONDO:0001056, OMIM 613659, HP:0012126.
Hereditary cancer-predisposing syndrome. Also called: Hereditary Cancer Syndrome; Neoplastic Syndromes, Hereditary; Tumor predisposition; Hereditary neoplastic syndrome. Identifiers: Orphanet 140162, MedGen C0027672, MeSH D009386, MONDO:0015356.
Hereditary breast ovarian cancer syndrome. Also called: Hereditary breast and ovarian cancer; Hereditary breast and ovarian cancer syndrome (HBOC); Hereditary breast and/or ovarian cancer syndrome; Hereditary breast and ovarian cancer syndrome; Breast and ovarian cancer; BRCA1- and BRCA2-Associated Hereditary Breast and Ovarian Cancer. Identifiers: Orphanet 145, MedGen C0677776, MeSH D061325, MONDO:0003582. Disease mechanism: loss of function.

Allele frequency attached by ClinVar (database versions not stated): gnomAD 0.00001; TOPMed 0.00001; gnomAD exomes 0.00002; ExAC 0.00003.
gnomAD v4.1: 32 of 1,614,006 alleles (0.002%); highest among the groups gnomAD compares: South Asian, 0.012%; no homozygotes.

Submissions 1 to 12 of 23:

CeGaT Center for Human Genetics Tuebingen
Classification: Pathogenic. Last evaluated: 2026-09-01. Review status: criteria provided, single submitter. Criteria: CeGaT Center For Human Genetics Tuebingen Variant Classification Criteria Version 2. Collection method: clinical testing. Allele origin: germline. Affected: yes. Observed: 1 variant allele.
Comment: CHEK2: PVS1, PS4, PM2:Supporting

GeneDx
Classification: Pathogenic. Last evaluated: 2026-01-09. Review status: criteria provided, single submitter. Criteria: GeneDx Variant Classification Process June 2021. Collection method: clinical testing. Allele origin: germline. Affected: yes.
Comment: Nonsense variant predicted to result in protein truncation or nonsense mediated decay in a gene for which loss of function is a known mechanism of disease; Not observed at significant frequency in large population cohorts (gnomAD); This variant is associated with the following publications: (PMID: 30322717, 32980694, 32805687, 34326862, 33309985, 29522266, 36095024, 35017683, 36451132, 32923877, 29922827, 35281821, 28888541, 27751358, 28724667, 28492532, 28779002, 29356917, 30303537, 29625052, 30287823, 32113160, 32658311, 31589614, 34426522, 33558524, 35418818, 34299313, 35710434, 37080588, 36243179, 36988593, 30130155, 38061684)

Labcorp Genetics (formerly Invitae), Labcorp
Classification: Pathogenic for Familial cancer of breast. Last evaluated: 2025-12-30. Review status: criteria provided, single submitter. Criteria: Invitae Variant Classification Sherloc (09022015). Collection method: clinical testing. Allele origin: germline.
Comment: This sequence change creates a premature translational stop signal (p.Arg137*) in the CHEK2 gene. It is expected to result in an absent or disrupted protein product. Loss-of-function variants in CHEK2 are known to be pathogenic (PMID: 21876083, 24713400). This variant is present in population databases (rs730881701, gnomAD 0.006%). This premature translational stop signal has been observed in individual(s) with breast cancer (PMID: 28724667). ClinVar contains an entry for this variant (Variation ID: 182452). For these reasons, this variant has been classified as Pathogenic.

Revvity Omics, Revvity
Classification: Pathogenic. Last evaluated: 2025-06-13. Review status: criteria provided, single submitter. Criteria: ACMG Guidelines, 2015. Collection method: clinical testing. Allele origin: germline.

Hereditary Cancer Laboratory, Hospital Universitario 12 de Octubre
Classification: Pathogenic for Hereditary cancer-predisposing syndrome. Last evaluated: 2025-05-06. Review status: criteria provided, single submitter. Criteria: ACMG Guidelines, 2015. Collection method: clinical testing. Allele origin: germline.
Comment: PVS1+PM2+PP5

Molecular Diagnostics Laboratory, Catalan Institute of Oncology
Classification: Likely pathogenic for Hereditary cancer-predisposing syndrome. Last evaluated: 2025-01-15. Review status: criteria provided, single submitter. Criteria: ACMG Guidelines, 2015. Collection method: clinical testing. Allele origin: germline.
Comment: PVS1 c.409C>T, located in exon 3 of the CHEK2 gene, is expected to result in loss of function by premature protein truncation and nonsense-mediated mRNA decay (PVS1), p.(Arg137*). This variant is found in 2/30522 with an allele frequency of 0.0065% in the gnomAD v2.1.1 database (South-Asian non-cancer data set). The SpliceAI algorithm predicts no significant impact on splicing. To our knowledge, functional studies have not been performed for this variant. The variant has been reported in the ClinVar database (17x pathogenic) and in the LOVD database (5x pathogenic, 2x not classified). Based on currently available information, the variant c.409C>T is classified as a likely pathogenic variant according to ACMG guidelines.

Ambry Genetics
Classification: Pathogenic for Hereditary cancer-predisposing syndrome. Last evaluated: 2024-11-06. Review status: criteria provided, single submitter. Criteria: Ambry Variant Classification Scheme 2023. Collection method: clinical testing. Allele origin: germline.
Comment: The p.R137* pathogenic mutation (also known as c.409C>T), located in coding exon 2 of the CHEK2 gene, results from a C to T substitution at nucleotide position 409. This changes the amino acid from an arginine to a stop codon within coding exon 2. This alteration has been reported in multiple patients undergoing multi-gene panel testing for personal history of breast cancer (Girard E et al. Int J Cancer, 2019 04;144:1962-1974; Akcay IM et al. Int J Cancer, 2021 01;148:285-295; Guglielmi C et al. Int J Mol Sci, 2021 Jul;22:(14); Moradian MM et al. Hum Genome Var, 2021 Feb;8:9). In addition to the clinical data presented in the literature, this alteration is expected to result in loss of function by premature protein truncation or nonsense-mediated mRNA decay. As such, this alteration is interpreted as a disease-causing mutation.

Quest Diagnostics Nichols Institute San Juan Capistrano
Classification: Pathogenic. Last evaluated: 2024-08-27. Review status: criteria provided, single submitter. Criteria: Quest Diagnostics criteria. Collection method: clinical testing. Allele origin: unknown.
Comment: The CHEK2 c.409C>T (p.Arg137*) variant causes the premature termination of CHEK2 protein synthesis. This variant has been reported in the published literature in individuals with a personal and/or family history of breast and/or ovarian cancer (PMID: 34299313 (2021), 33558524 (2021), 32658311 (2021), 30287823 (2018), 29356917 (2018), 28779002 (2017), 28724667 (2017)). The frequency of this variant in the general population, 0.000026 (3/113600 chromosomes (Genome Aggregation Database)), is consistent with pathogenicity. Based on the available information, this variant is classified as pathogenic.

Color Diagnostics, LLC DBA Color Health
Classification: Pathogenic for Hereditary cancer-predisposing syndrome. Last evaluated: 2024-08-19. Review status: criteria provided, single submitter. Criteria: ACMG Guidelines, 2015. Collection method: clinical testing. Allele origin: germline.
Comment: This variant changes 1 nucleotide in exon 3 of the CHEK2 gene, creating a premature translation stop signal. This variant is expected to result in an absent or non-functional protein product. This variant has been reported in individuals affected with breast cancer (PMID: 28724667, 28779002, 29356917, 29922827, 30287823, 34299313). This variant has been identified in 6/251304 chromosomes in the general population by the Genome Aggregation Database (gnomAD). Loss of CHEK2 function is a known mechanism of disease. Based on the available evidence, this variant is classified as Pathogenic.

Blueprint Genetics
Classification: Pathogenic for CHEK2-related disorders. Last evaluated: 2023-12-12. Review status: criteria provided, single submitter. Criteria: ACMG Guidelines, 2015. Collection method: clinical testing. Allele origin: germline. Affected: yes. Observed: 3 variant alleles.

Genetic Services Laboratory, University of Chicago
Classification: Pathogenic. Last evaluated: 2023-12-11. Review status: criteria provided, single submitter. Criteria: ACMG Guidelines, 2015. Collection method: clinical testing. Allele origin: germline. Affected: yes.
Comment: DNA sequence analysis of the CHEK2 gene demonstrated a sequence change, c.409C>T, which results in the creation of a premature stop codon at amino acid position 137, p.Arg137*. This pathogenic sequence change is predicted to result in an abnormal transcript, which may be degraded, or may lead to the production of a truncated CHEK2 protein with potentially abnormal function. This sequence change has been described in the gnomAD database with a frequency of 0.002% in the overall subpopulation (dbSNP rs730881701). This pathogenic sequence change has previously been described in several individuals with CHEK2-related cancers (PMID: 28724667, 35710434, 32658311, 30322717, 28779002, 30303537, 32923877, 32805687). These collective evidences indicate that this sequence change is pathogenic.

Baylor Genetics
Classification: Pathogenic for Familial cancer of breast. Last evaluated: 2023-09-18. Review status: criteria provided, single submitter. Criteria: ACMG Guidelines, 2015. Collection method: clinical testing. Allele origin: unknown.